The following is an entry in ClinVar:

ClinVar aggregate classification (germline): Uncertain significance (1 of 4 stars; one submission).

Allele frequency attached by ClinVar (database versions not stated): gnomAD exomes 0.00004 and 0.00008; ExAC 0.00008; ESP Exome Variant Server 0.00023; TOPMed 0.00028; gnomAD 0.00034 and 0.00036.
gnomAD v4.1: 107 of 1,613,936 alleles (0.0066%); highest among the groups gnomAD compares: African/African-American, 0.13%; no homozygotes.

Submission:

Labcorp Genetics (formerly Invitae), Labcorp
Classification: Uncertain significance. Last evaluated: 2022-02-09. Review status: criteria provided, single submitter. Criteria: Invitae Variant Classification Sherloc (09022015). Collection method: clinical testing. Allele origin: germline.
Comment: Algorithms developed to predict the effect of missense changes on protein structure and function are either unavailable or do not agree on the potential impact of this missense change (SIFT: "Deleterious"; PolyPhen-2: "Possibly Damaging"; Align-GVGD: "Class C0"). In summary, the available evidence is currently insufficient to determine the role of this variant in disease. Therefore, it has been classified as a Variant of Uncertain Significance. This variant has not been reported in the literature in individuals affected with DDR2-related conditions. This variant is present in population databases (rs140134368, gnomAD 0.1%). This sequence change replaces valine, which is neutral and non-polar, with alanine, which is neutral and non-polar, at codon 824 of the DDR2 protein (p.Val824Ala).

NM_006182.4(DDR2):c.2471T>C (p.Val824Ala)

Gene: DDR2 (discoidin domain receptor tyrosine kinase 2; plus strand). Cytogenetic location: 1q23.3.
Variant type: single nucleotide variant.
Coding change: c.2471T>C on transcript NM_006182.4 (MANE Select); coding-DNA position 2471, T replaced by C.
Protein change: p.Val824Ala; replaces valine 824 with alanine.
Molecular consequence: missense variant.
Genome position (GRCh38, 1-based): chr1:162,780,149, T>C. VCF-style: chr1-162780149-T-C. GRCh37 (hg19) VCF-style: chr1-162749939-T-C.
Other names: c.2471T>C, p.Val824Ala (NM_001014796.3, NM_001354982.2, NM_001354983.2); short protein forms V824A.
Identifiers: ClinVar variation 1445854 (VCV001445854.8), dbSNP rs140134368, ClinGen allele CA1217806.
Genomic context (GRCh38, chr1:162,780,149, plus strand): 5'-TTCCTTTATTTTTGTTCCCAAAGACTTACCTCCCTCAACCAGCCATTTGTCCTGACTCTG[T>C]GTATAAGCTGATGCTCAGCTGCTGGAGAAGAGATACGAAGAACCGTCCCTCATTCCAAGA-3'
Protein context (NP_006173.2, residues 814-834): LPQPAICPDS[Val824Ala]YKLMLSCWRR